The following is an entry in ClinVar:

ClinVar aggregate classification (germline): Uncertain significance (1 of 4 stars; one submission).

Conditions:
Xanthinuria type II. Also called: Xanthine dehydrogenase and aldehyde oxidase combined deficiency of; XDH and AOX dual deficiency. Identifiers: Orphanet 3467, Orphanet 93602, MedGen C1863688, MONDO:0011346, OMIM 603592.

Allele frequency attached by ClinVar (database versions not stated): gnomAD 0.00001; gnomAD exomes 0.00001 and 0.00002; ESP Exome Variant Server 0.00008; ExAC 0.00002; TOPMed 0.00002.
gnomAD v4.1: 17 of 1,613,832 alleles (0.0011%); highest among the groups gnomAD compares: Non-Finnish European, 0.0013%; no homozygotes.

Submission:

Labcorp Genetics (formerly Invitae), Labcorp
Classification: Uncertain significance for Xanthinuria type II. Last evaluated: 2022-02-03. Review status: criteria provided, single submitter. Criteria: Invitae Variant Classification Sherloc (09022015). Collection method: clinical testing. Allele origin: germline.
Comment: This sequence change replaces methionine, which is neutral and non-polar, with threonine, which is neutral and polar, at codon 617 of the MOCOS protein (p.Met617Thr). This variant is present in population databases (rs368198282, gnomAD 0.004%). This variant has not been reported in the literature in individuals affected with MOCOS-related conditions. ClinVar contains an entry for this variant (Variation ID: 572695). Algorithms developed to predict the effect of missense changes on protein structure and function are either unavailable or do not agree on the potential impact of this missense change (SIFT: "Deleterious"; PolyPhen-2: "Probably Damaging"; Align-GVGD: "Class C0"). In summary, the available evidence is currently insufficient to determine the role of this variant in disease. Therefore, it has been classified as a Variant of Uncertain Significance.

NM_017947.4(MOCOS):c.1850T>C (p.Met617Thr)

Gene: MOCOS (molybdenum cofactor sulfurase; plus strand). Cytogenetic location: 18q12.2.
Variant type: single nucleotide variant.
Coding change: c.1850T>C on transcript NM_017947.4 (MANE Select); coding-DNA position 1850, T replaced by C.
Protein change: p.Met617Thr; replaces methionine 617 with threonine.
Molecular consequence: missense variant.
Genome position (GRCh38, 1-based): chr18:36,220,107, T>C. VCF-style: chr18-36220107-T-C. GRCh37 (hg19) VCF-style: chr18-33800070-T-C.
Other names: short protein forms M617T.
Identifiers: ClinVar variation 572695 (VCV000572695.8), dbSNP rs368198282, ClinGen allele CA8940850.
Genomic context (GRCh38, chr18:36,220,107, plus strand): 5'-TTGTTTAGGTGACCAGGTGGCCTGTAGGAAACCAAGGGCTGCTATATGACCGGAGCTGGA[T>C]GGTTGTGAATCACAATGGTGTTTGCCTGAGTCAGAAGCAGGAACCCCGGCTCTGCCTGAT-3'
Protein context (NP_060417.4, residues 607-627): NQGLLYDRSW[Met617Thr]VVNHNGVCLS